The following is an entry in ClinVar:

NM_033380.3(COL4A5):c.2147-2A>G

Gene: COL4A5 (collagen type IV alpha 5 chain; plus strand). Cytogenetic location: Xq22.3.
Variant type: single nucleotide variant.
Coding change: c.2147-2A>G on transcript NM_033380.3 (MANE Select); the canonical splice acceptor site of the intron before coding-DNA position 2147, A replaced by G.
Molecular consequence: splice acceptor variant.
Genome position (GRCh38, 1-based): chrX:108,602,962, A>G. VCF-style: chrX-108602962-A-G. GRCh37 (hg19) VCF-style: chrX-107846192-A-G.
Other names: c.2147-2A>G (NM_000495.5).
Identifiers: ClinVar variation 3382700 (VCV003382700.3), dbSNP rs104886344.

ClinVar aggregate classification (germline): Pathogenic/Likely pathogenic. Review status: criteria provided, multiple submitters, no conflicts (2 of 4 stars). 2 submissions from 2 submitters: Pathogenic (1); Likely pathogenic (1). Last evaluated 2023-12-07.

Conditions:
COL4A5-related disorders.
X-linked Alport syndrome (ATS1). Also called: COL4A5-Related Nephropathy; NEPHROPATHY AND DEAFNESS, X-LINKED. Identifiers: Orphanet 63, Orphanet 88917, MedGen C4746986, MONDO:0010520, OMIM 301050.

Submissions (2):

Blueprint Genetics
Classification: Likely pathogenic for COL4A5-related disorders. Last evaluated: 2023-12-07. Review status: criteria provided, single submitter. Criteria: ACMG Guidelines, 2015. Collection method: clinical testing. Allele origin: germline. Affected: yes. Observed: 1 variant allele.

Juno Genomics, Hangzhou Juno Genomics, Inc
Classification: Pathogenic for X-linked Alport syndrome. Review status: criteria provided, single submitter. Criteria: ACMG Guidelines, 2015. Collection method: clinical testing. Allele origin: germline. Affected: yes.
Comment: Absent from controls (or at extremely low frequency if recessive) in Genome Aggregation Database, Exome Sequencing Project, 1000 Genomes Project, or Exome Aggregation Consortium.;Null variant in a gene where loss of function (LOF) is a known mechanism of disease.;The prevalence of the variant in affected individuals is significantly increased compared to the prevalence in controls.;Patient's phenotype or family history is highly specific for a disease with a single genetic etiology.